The following is an entry in ClinVar:

NM_001172509.2(SATB2):c.1196G>C (p.Arg399Pro)

Gene: SATB2 (SATB homeobox 2; minus strand). Cytogenetic location: 2q33.1.
Variant type: single nucleotide variant.
Coding change: c.1196G>C on transcript NM_001172509.2 (MANE Select); coding-DNA position 1196, G replaced by C.
Protein change: p.Arg399Pro; replaces arginine 399 with proline.
Molecular consequence: missense variant.
Genome position (GRCh38, 1-based): chr2:199,328,888, C>G on the plus strand (G>C on the coding strand, the complement: SATB2 is on the minus strand). VCF-style: chr2-199328888-C-G. GRCh37 (hg19) VCF-style: chr2-200193611-C-G.
Other names: c.1196G>C, p.Arg399Pro (NM_001172517.1, NM_015265.4); short protein forms R399P.
Identifiers: ClinVar variation 588166 (VCV000588166.10), dbSNP rs1057518190, ClinGen allele CA350386545.
Genomic context (GRCh38, chr2:199,328,888, plus strand): 5'-TGCATGGCCCTCAGGTTTACTAGAAGAGACTGAGAGGCTGTCCGAGGGTCTTCTTCCTTA[C>G]GCAGAATCTCAGACAACAATCCCTGATTAAATGGGGGAAAAAAACAGACCAAGTCACATT-3'
Protein context (NP_001165980.1, residues 389-409): RTQGLLSEIL[Arg399Pro]KEEDPRTASQ

ClinVar aggregate classification (germline): Conflicting classifications of pathogenicity. Review status: criteria provided, conflicting classifications (1 of 4 stars). 3 submissions from 3 submitters: Pathogenic (1); Likely pathogenic (1); Uncertain significance (1). Last evaluated 2024-11-07.

Conditions:
Inborn genetic diseases. Identifiers: MedGen C0950123, MeSH D030342.
Chromosome 2q32-q33 deletion syndrome (GLASS). Also called: Glass syndrome; 2q33.1 deletion syndrome. Identifiers: Orphanet 251019, MedGen C2676739, MONDO:0012864, OMIM 612313.

Submissions (3):

Institute of Immunology and Genetics Kaiserslautern
Classification: Pathogenic for Chromosome 2q32-q33 deletion syndrome. Last evaluated: 2024-11-07. Review status: criteria provided, single submitter. Criteria: ACMG Guidelines, 2015. Collection method: clinical testing. Allele origin: de novo. Affected: yes.
Comment: ACMG Criteria: PS2, PM1, PM5, PM2_P, PP5; Variant was found in heterozygous state. De novo-status was confirmed via in-house segregation analysis.

Revvity Omics, Revvity
Classification: Likely pathogenic for Chromosome 2q32-q33 deletion syndrome. Last evaluated: 2021-05-18. Review status: criteria provided, single submitter. Criteria: ACMG Guidelines, 2015. Collection method: clinical testing. Allele origin: germline.

Ambry Genetics
Classification: Uncertain significance for Inborn genetic diseases. Last evaluated: 2016-08-19. Review status: criteria provided, single submitter. Criteria: Ambry Variant Classification Scheme 2023. Collection method: clinical testing. Allele origin: germline.
Comment: The p.R399P variant (also known as c.1196G>C), located in coding exon 7 of the SATB2 gene, results from a G to C substitution at nucleotide position 1196. The arginine at codon 399 is replaced by proline, an amino acid with dissimilar properties. This variant was not reported in population based cohorts in the following databases: Database of Single Nucleotide Polymorphisms (dbSNP), NHLBI Exome Sequencing Project (ESP), and 1000 Genomes Project. In the ESP, this variant was not observed in 6503 samples (13006 alleles) with coverage at this position. This amino acid position is highly conserved in available vertebrate species. In addition, this alteration is predicted to be deleterious by in silico analysis. Since supporting evidence is limited at this time, the clinical significance of this variant remains unclear.